The following is an entry in ClinVar:

ClinVar aggregate classification (germline): Uncertain significance (1 of 4 stars; one submission).

Conditions:
Choroideremia. Also called: Chorioretinal scalloped atrophy. Identifiers: Orphanet 180, MedGen C0008525, MONDO:0010557, OMIM 303100, HP:0001139.

Submission:

Institute of Human Genetics, University of Goettingen
Classification: Uncertain significance for Choroideremia. Last evaluated: 2022-08-01. Review status: criteria provided, single submitter. Criteria: ACMG Guidelines, 2015. Collection method: case-control. Allele origin: unknown. Inheritance: X-linked inheritance. Observed: 1 heterozygote.
Comment: The variant c.1714G>A (p.(Val572Ile)) in exon 14 of the CHM-gene is not found in the gnomAD database, it affects a weakly conserved nucleotide, a highly conserved amino acid within a protein domain and there is a small physicochemical difference between Val and Met. This variant has a benign computational verdict based on in silico predictions algorithms. ACMG criteria used for classification: PM2, BP4.

NM_000390.4(CHM):c.1714G>A (p.Val572Ile)

Gene: CHM (CHM Rab escort protein; minus strand). Cytogenetic location: Xq21.2.
Variant type: single nucleotide variant.
Coding change: c.1714G>A on transcript NM_000390.4 (MANE Select); coding-DNA position 1714, G replaced by A.
Protein change: p.Val572Ile; replaces valine 572 with isoleucine.
Molecular consequence: missense variant.
Genome position (GRCh38, 1-based): chrX:85,873,108, C>T on the plus strand (G>A on the coding strand, the complement: CHM is on the minus strand). VCF-style: chrX-85873108-C-T. GRCh37 (hg19) VCF-style: chrX-85128113-C-T.
Other names: c.1270G>A, p.Val424Ile (NM_001320959.1, NM_001362517.1, NM_001362518.2 and 1 more transcripts); short protein forms V424I, V572I.
Identifiers: ClinVar variation 1698721 (VCV001698721.2), dbSNP rs2148120495, ClinGen allele CA413786491.